The following is an entry in ClinVar:

NM_000232.5(SGCB):c.794C>T (p.Thr265Ile)

Gene: SGCB (sarcoglycan beta; minus strand). Cytogenetic location: 4q12.
Variant type: single nucleotide variant.
Coding change: c.794C>T on transcript NM_000232.5 (MANE Select); coding-DNA position 794, C replaced by T.
Protein change: p.Thr265Ile; replaces threonine 265 with isoleucine.
Molecular consequence: missense variant.
Genome position (GRCh38, 1-based): chr4:52,024,120, G>A on the plus strand (C>T on the coding strand, the complement: SGCB is on the minus strand). VCF-style: chr4-52024120-G-A. GRCh37 (hg19) VCF-style: chr4-52890286-G-A.
Other names: short protein forms T265I.
Identifiers: ClinVar variation 282121 (VCV000282121.24), dbSNP rs116214830, ClinGen allele CA2918275.
Genomic context (GRCh38, chr4:52,024,120, plus strand): 5'-TAGCGTACCCAGTCACCACTACCCAACTGGTCTCCACTGGAGGAACTGGGTAGGCGGGTG[G>A]TGCTGACCATCACAGATCCATTTAGGATGATACTGTTTTCCTATTAGGAGAATAGTAATA-3'
Protein context (NP_000223.1, residues 255-275): IILNGSVMVS[Thr265Ile]TRLPSSSSGD

ClinVar aggregate classification (germline): Conflicting classifications of pathogenicity. Review status: criteria provided, conflicting classifications (1 of 4 stars). 8 submissions from 8 submitters: Uncertain significance (5); Likely benign (2). 1 of the submissions does not count toward it. Last evaluated 2026-04-08.

Conditions:
SGCB-related disorder. Also called: SGCB-related condition.
Primary dilated cardiomyopathy (DCM). Also called: Dilated Cardiomyopathy. Identifiers: Orphanet 217604, MedGen C0007193, MeSH D002311, MONDO:0005021, HP:0001644. Inheritance: Various modes of inheritance.
Autosomal recessive limb-girdle muscular dystrophy type 2E (LGMDR4). Also called: MUSCULAR DYSTROPHY, LIMB-GIRDLE, AUTOSOMAL RECESSIVE 4. Identifiers: Orphanet 119, MedGen C1858593, MONDO:0011423, OMIM 604286. Disease mechanism: Affects gamma-sarcoglycan and also disrupts the integrity of the entire sarcoglycan complex..

Allele frequency attached by ClinVar (database versions not stated): gnomAD exomes 0.00004 and 0.00008; ExAC 0.00012; ESP Exome Variant Server 0.00015; TOPMed 0.00018; gnomAD 0.00025 and 0.00027; 1000 Genomes Project 30x 0.00125; 1000 Genomes Project 0.00160.
gnomAD v4.1: 116 of 1,614,108 alleles (0.0072%); highest among the groups gnomAD compares: African/African-American, 0.11%; no homozygotes.

Submissions (8):

PreventionGenetics, part of Exact Sciences
Classification: Uncertain significance for SGCB-related condition. Last evaluated: 2026-04-08. Review status: criteria provided, single submitter. Criteria: ACMG Guidelines, 2015. Collection method: clinical testing. Allele origin: germline.
Comment: The SGCB c.794C>T variant is predicted to result in the amino acid substitution p.Thr265Ile. To our knowledge, this variant has not been reported in the literature. This variant is reported in 0.11% of alleles in individuals of African descent in gnomAD. Although we suspect that this variant may be benign, at this time, the clinical significance of this variant is uncertain due to the absence of conclusive functional and genetic evidence.

Revvity Omics, Revvity
Classification: Uncertain significance for Autosomal recessive limb-girdle muscular dystrophy type 2E. Last evaluated: 2023-10-02. Review status: criteria provided, single submitter. Criteria: ACMG Guidelines, 2015. Collection method: clinical testing. Allele origin: germline.

Labcorp Genetics (formerly Invitae), Labcorp
Classification: Uncertain significance for Autosomal recessive limb-girdle muscular dystrophy type 2E. Last evaluated: 2022-10-17. Review status: criteria provided, single submitter. Criteria: Invitae Variant Classification Sherloc (09022015). Collection method: clinical testing. Allele origin: germline.
Comment: This sequence change replaces threonine, which is neutral and polar, with isoleucine, which is neutral and non-polar, at codon 265 of the SGCB protein (p.Thr265Ile). This variant is present in population databases (rs116214830, gnomAD 0.1%). This variant has not been reported in the literature in individuals affected with SGCB-related conditions. ClinVar contains an entry for this variant (Variation ID: 282121). Advanced modeling of protein sequence and biophysical properties (such as structural, functional, and spatial information, amino acid conservation, physicochemical variation, residue mobility, and thermodynamic stability) performed at Invitae indicates that this missense variant is not expected to disrupt SGCB protein function. In summary, the available evidence is currently insufficient to determine the role of this variant in disease. Therefore, it has been classified as a Variant of Uncertain Significance.

ARUP Laboratories, Molecular Genetics and Genomics, ARUP Laboratories
Classification: Uncertain significance for Autosomal recessive limb-girdle muscular dystrophy type 2E. Last evaluated: 2021-02-04. Review status: criteria provided, single submitter. Criteria: ARUP Molecular Germline Variant Investigation Process 2021. Collection method: clinical testing. Allele origin: germline.
Comment: The SGCB c.794C>T, p.Thr265Ile variant (rs116214830), to our knowledge, is not reported in the medical literature but is reported as uncertain in ClinVar (Variation ID: 282121). This variant is found in the African population with an allele frequency of 0.1% (28/24,964 alleles) in the Genome Aggregation Database. The threonine at codon 265 is weakly conserved, and computational analyses are uncertain whether this variant is neutral or deleterious (REVEL: 0.31). Due to limited information, the clinical significance of the p.Thr265Ile variant is uncertain at this time.

GeneDx
Classification: Likely benign. Last evaluated: 2019-04-05. Review status: criteria provided, single submitter. Criteria: GeneDx Variant Classification Process June 2021. Collection method: clinical testing. Allele origin: germline. Affected: yes.

Eurofins Ntd Llc (ga)
Classification: Uncertain significance. Last evaluated: 2015-07-23. Review status: criteria provided, single submitter. Criteria: EGL Classification Definitions 2015. Collection method: clinical testing. Allele origin: germline. Observed: 3 variant alleles, 3 heterozygotes.

Genetics and Genomics Program, Sidra Medicine
Classification: Likely benign for Primary dilated cardiomyopathy. Review status: criteria provided, single submitter. Criteria: ACMG Guidelines, 2015. Collection method: research. Allele origin: unknown. Affected: yes. Observed: 1 variant allele.

Natera, Inc.
Classification: Uncertain significance for Limb-girdle muscular dystrophy type 2E. Last evaluated: 2020-09-16. Review status: no assertion criteria provided. Collection method: clinical testing. Allele origin: germline. Not counted in ClinVar's aggregate classification.